The following is an entry in ClinVar:

NC_012920.1(MT-ND2):m.4695T>C

Gene: MT-ND2 (mitochondrially encoded NADH dehydrogenase 2; plus strand).
Variant type: single nucleotide variant.
Genome position: chrM-4695-T-C.
Identifiers: ClinVar variation 692481 (VCV000692481.1), dbSNP rs1556422885, ClinGen allele CA414775353.
Genomic context (GRCh38, chrMT:4,695, plus strand): 5'-GCCATCAAGTATTTCCTCACGCAAGCAACCGCATCCATAATCCTTCTAATAGCTATCCTC[T>C]TCAACAATATACTCTCCGGACAATGAACCATAACCAATACTACCAATCAATACTCATCAT-3'

ClinVar aggregate classification (germline): Benign (1 of 4 stars; one submission).

Conditions:
Leigh syndrome (NULS). Also called: Leigh's necrotizing encephalopathy; Leigh's disease; Leigh Syndrome (mtDNA deletion); Leigh Disease; Subacute necrotizing encephalopathy; Necrotizing encephalopathy infantile subacute of Leigh. Identifiers: Orphanet 506, MedGen C2931891, MONDO:0009723, OMIM 256000.

Submission:

Wong Mito Lab, Molecular and Human Genetics, Baylor College of Medicine
Classification: Benign for Leigh syndrome. Last evaluated: 2019-10-17. Review status: criteria provided, single submitter. Criteria: Modified ACMG Guidelines (Unpublished). Collection method: clinical testing. Allele origin: germline.
Comment: The NC_012920.1:m.4695T>C (YP_003024027.1:p.Phe76Leu) variant in MTND2 gene is interpretated to be a Benign variant based on the modified ACMG guidelines (unpublished). This variant meets the following evidence codes: BS1, BS2, BP4